The following continues an entry in ClinVar:

NM_000256.3(MYBPC3):c.1484G>A (p.Arg495Gln)

Gene: MYBPC3. ClinVar aggregate classification (germline): Likely pathogenic. Likely pathogenic (1).

Submissions 34 to 45 of 45:

Agnes Ginges Centre for Molecular Cardiology, Centenary Institute
Classification: Pathogenic for Hypertrophic cardiomyopathy 4. Last evaluated: 2018-05-02. Review status: criteria provided, single submitter. Criteria: ACMG Guidelines, 2015. Collection method: research. Allele origin: germline. Inheritance: Autosomal dominant inheritance. Affected: yes. Not counted in ClinVar's aggregate classification.
Comment: The MYBPC3 Arg495Gln variant has been described in many HCM probands and has been reported to segregate with disease in several families (see literature). A study analysing the transcript and protein levels in two septal myectomy patients carrying the MYBPC3 Arg495Gln variant revealed that not only did the patients exhibit a 2-fold increase in MYBPC3 protein expression but were also found to predominately express the mutant peptide (Helms AS, et al., 2014), which is supportive of the pathogenic role of the variant. The variant is present at a low frequency in the Genome Aggregation Database. We identified this variant in 2 HCM probands. One proband was diagnosed after they suffered resuscitated cardiac arrest in childhood, family screening identified an additional 3 affected family members in which the variant segregated (Ross SB, et al., 2017). The second proband does not have a family history of disease (Ingles et al., 2017). Interestingly, different rare variants at this position (Arg495Trp, Arg495Gly) have also been reported in HCM cases, suggesting that an amino acid substitution at this site may not be tolerated. Computational tools SIFT, PolyPhen2, and MutationTaster predict this variant to have a deleterious effect. Based on the adapted ACMG guidelines (Kelly MA, et al., 2018) this variant has been reported in more than 15 HCM probands (PS4), segregates with disease in multiple families (PP1_strong), is rare in the general population (PM2) and in silico tools predict it to be deleterious (PP3), therefore we classify MYBPC3 Arg495Gln as "pathogenic".

Eurofins Ntd Llc (ga)
Classification: Likely pathogenic. Last evaluated: 2017-08-01. Review status: criteria provided, single submitter. Criteria: EGL Classification Definitions 2015. Collection method: clinical testing. Allele origin: germline. Observed: 1 variant allele, 1 heterozygote. Not counted in ClinVar's aggregate classification.

Illumina Laboratory Services, Illumina
Classification: Pathogenic for MYBPC3-Related Disorders. Last evaluated: 2016-06-14. Review status: criteria provided, single submitter. Criteria: ICSL Variant Classification 20161018. Collection method: clinical testing. Allele origin: germline. Not counted in ClinVar's aggregate classification.
Comment: Across a selection of the available literature, the c.1484G>A (p.Arg495Gln) variant has been reported in a heterozygous state in 18 patients with hypertrophic cardiomyopathy, one patient with left ventricular noncompaction cardiomyopathy, two individuals with an indeterminate status, and in a compound heterozygous state in one individual with hypertrophic cardiomyopathy (Niimura et al. 1998; Zeller et al. 2006; Ehlermann et al. 2008; Millat et al. 2010; Antonio et al. 2011; Marsiglia et al. 2013; Helms et al. 2014). The p.Arg495Gln was also found in a heterozygous state in one unaffected individual but was absent from 536 control chromosomes. The variant is reported at a frequency of 0.00001 in the European (Finnish) population of the Exome Aggregation Consortium but this is based on one allele so is presumed to be rare. Helms et al. (2014) demonstrated that heart tissue samples carrying the p.Arg495Gln variant exhibited higher MYBPC3 expression and transcript levels but no increase in protein abundance when compared to control heart tissues. MYBPC3 variants have displayed reduced penetrance and variable expressivity. Based on the collective evidence, the p.Arg495Gln variant is classified as pathogenic for MYBPC3-related disorders.

Clinical Genetics DNA and cytogenetics Diagnostics Lab, Erasmus MC, Erasmus Medical Center
Classification: Pathogenic for Hypertrophic cardiomyopathy 4. Last evaluated: 2015-09-21. Review status: criteria provided, single submitter. Criteria: ACGS Guidelines, 2013. Collection method: clinical testing. Allele origin: germline. Affected: yes. Study: VKGL Data-share Consensus. Not counted in ClinVar's aggregate classification.

Centre for Mendelian Genomics, University Medical Centre Ljubljana
Classification: Likely pathogenic for Hypertrophic cardiomyopathy. Last evaluated: 2015-09-07. Review status: criteria provided, single submitter. Criteria: ACMG Guidelines, 2015. Collection method: clinical testing. Allele origin: unknown. Affected: yes. Not counted in ClinVar's aggregate classification.

Stanford Center for Inherited Cardiovascular Disease, Stanford University
Classification: Likely pathogenic. Last evaluated: 2015-03-17. Review status: criteria provided, single submitter. Criteria: ACMG Guidelines, 2015. Collection method: provider interpretation. Allele origin: germline. Not counted in ClinVar's aggregate classification.

Biesecker Lab/Clinical Genomics Section, National Institutes of Health
Classification: Pathogenic for Cardiomyopathy, hypertrophic. Last evaluated: 2013-06-24. Review status: criteria provided, single submitter. Criteria: Ng et al. (Circ Cardiovasc Genet. 2013). Collection method: research. Allele origin: unknown. Affected: yes. Observed: 1 variant allele. Study: ClinSeq. Not counted in ClinVar's aggregate classification.
Comment: The study set was not selected for affection status in relation to any cancer. Pathogenicity categories were based on literature curation. See Pubmed ID:23861362 for details.

Medical sequencing

Laboratory of Genetics and Molecular Cardiology, University of São Paulo
Classification: Likely pathogenic for Hypertrophic cardiomyopathy 4. Review status: criteria provided, single submitter. Criteria: LGCM Criteria August 2015. Collection method: clinical testing. Allele origin: germline. Inheritance: Autosomal dominant inheritance. Affected: yes. Observed: 13 variant alleles. Study: Sarcomeric Human Cardiomyopathy Registry (ShaRe). Not counted in ClinVar's aggregate classification.

Clinical Genetics, Academic Medical Center
Classification: Pathogenic. Review status: no assertion criteria provided. Collection method: clinical testing. Allele origin: germline. Affected: yes. Study: VKGL Data-share Consensus. Not counted in ClinVar's aggregate classification.

Diagnostic Laboratory, Department of Genetics, University Medical Center Groningen
Classification: Pathogenic. Review status: no assertion criteria provided. Collection method: clinical testing. Allele origin: germline. Affected: yes. Study: VKGL Data-share Consensus. Not counted in ClinVar's aggregate classification.

Joint Genome Diagnostic Labs from Nijmegen and Maastricht, Radboudumc and MUMC+
Classification: Pathogenic. Review status: no assertion criteria provided. Collection method: clinical testing. Allele origin: germline. Affected: yes. Study: VKGL Data-share Consensus. Not counted in ClinVar's aggregate classification.

Zaffran Lab, Genetics of Cardiac Diseases Laboratory, Marseille Medical Genetics
Classification: Pathogenic for hypertrophic cardiomyopathy. Review status: no assertion criteria provided. Collection method: research. Allele origin: unknown. Affected: yes. Not counted in ClinVar's aggregate classification.

Literature cited by the submitters: PubMed 11499718 (cited by 7 submitters); PubMed 20019025 (cited by 8 submitters); PubMed 22857948 (cited by 8 submitters); PubMed 23396983 (cited by 8 submitters); PubMed 24093860 (cited by 10 submitters); PubMed 18957093 (cited by 4 submitters); PubMed 22267749 (cited by Dasa and Ambry Genetics); PubMed 27737317 (cited by 7 submitters); PubMed 18403758 (cited by 7 submitters); PubMed 19659763 (cited by Labcorp Genetics (formerly Invitae), Labcorp); PubMed 20624503 (cited by 6 submitters); PubMed 39125703 (cited by OLLIN Analises Genomicas, OLLIN); PubMed 23861362 (cited by 3 submitters); PubMed 38999502 (cited by OLLIN Analises Genomicas, OLLIN); PubMed 39554508 (cited by OLLIN Analises Genomicas, OLLIN); PubMed 29300372 (cited by OLLIN Analises Genomicas, OLLIN); PubMed 9562578 (cited by 10 submitters); PubMed 38254962 (cited by Rady Children's Institute for Genomic Medicine, Rady Children's Hospital San Diego); PubMed 32746448 (cited by 4 submitters); PubMed 33407484 (cited by Rady Children's Institute for Genomic Medicine, Rady Children's Hospital San Diego); PubMed 36252119 (cited by Rady Children's Institute for Genomic Medicine, Rady Children's Hospital San Diego); PubMed 30696458 (cited by Rady Children's Institute for Genomic Medicine, Rady Children's Hospital San Diego); PubMed 34400558 (cited by Rady Children's Institute for Genomic Medicine, Rady Children's Hospital San Diego); PubMed 19150014 (cited by Rady Children's Institute for Genomic Medicine, Rady Children's Hospital San Diego and Ambry Genetics); PubMed 39160446 (cited by Rady Children's Institute for Genomic Medicine, Rady Children's Hospital San Diego); PubMed 21185001 (cited by Ambry Genetics); PubMed 24510615 (cited by 4 submitters); PubMed 29447731 (cited by Ambry Genetics); PubMed 30871747 (cited by Ambry Genetics); PubMed 28024942 (cited by 4 submitters); PubMed 28615295 (cited by 3 submitters); PubMed 29121657 (cited by 4 submitters); PubMed 29907873 (cited by All of Us Research Program, National Institutes of Health and Color Diagnostics, LLC DBA Color Health); PubMed 35626289 (cited by 3 submitters); PubMed 36357371 (cited by All of Us Research Program, National Institutes of Health and Color Diagnostics, LLC DBA Color Health); PubMed 27532257 (cited by 3 submitters); PubMed 33782553 (cited by Color Diagnostics, LLC DBA Color Health); PubMed 38104429 (cited by Color Diagnostics, LLC DBA Color Health); PubMed 25031304 (cited by 5 submitters); PubMed 15519027 (cited by 3 submitters); PubMed 16715312 (cited by 3 submitters); PubMed 18409188 (cited by Laboratory for Molecular Medicine, Mass General Brigham Personalized Medicine and Agnes Ginges Centre for Molecular Cardiology, Centenary Institute); PubMed 26671970 (cited by Laboratory for Molecular Medicine, Mass General Brigham Personalized Medicine); PubMed 21239446 (cited by Laboratory for Molecular Medicine, Mass General Brigham Personalized Medicine and Agnes Ginges Centre for Molecular Cardiology, Centenary Institute); PubMed 32841044 (cited by Victorian Clinical Genetics Services, Murdoch Childrens Research Institute); PubMed 27688314 (cited by Women's Health and Genetics/Laboratory Corporation of America, LabCorp); PubMed 35535697 (cited by Laan Lab, Human Genetics Research Group, University of Tartu); PubMed 24704860 (cited by Agnes Ginges Centre for Molecular Cardiology, Centenary Institute); PubMed 21638988 (cited by Illumina Laboratory Services, Illumina).